The following is an entry in ClinVar:

ClinVar aggregate classification (germline): Uncertain significance (1 of 4 stars; one submission).

Conditions:
Neuropathy, hereditary sensory and autonomic, type 2A (HSAN2A). Also called: MORVAN DISEASE; NEUROPATHY, CONGENITAL SENSORY; NEUROPATHY, HEREDITARY SENSORY RADICULAR, AUTOSOMAL RECESSIVE; NEUROPATHY, HEREDITARY SENSORY, TYPE IIA; NEUROPATHY, PROGRESSIVE SENSORY, OF CHILDREN; ACROOSTEOLYSIS, GIACCAI TYPE. Identifiers: Orphanet 970, MedGen C2752089, MONDO:0024309, OMIM 201300.

Submission:

Centre for Mendelian Genomics, University Medical Centre Ljubljana
Classification: Uncertain significance for Neuropathy, hereditary sensory and autonomic, type 2A. Last evaluated: 2019-08-12. Review status: criteria provided, single submitter. Criteria: ACMG Guidelines, 2015. Collection method: clinical testing. Allele origin: unknown. Affected: yes.
Comment: This variant was classified as: Uncertain significance. The available evidence on this variant's pathogenicity is insufficient or conflicting. The following ACMG criteria were applied in classifying this variant: PM2.

NM_001244008.2(KIF1A):c.4537C>G (p.Leu1513Val)

Gene: KIF1A (kinesin family member 1A; minus strand). Cytogenetic location: 2q37.3.
Variant type: single nucleotide variant.
Coding change: c.4537C>G on transcript NM_001244008.2 (MANE Select); coding-DNA position 4537, C replaced by G.
Protein change: p.Leu1513Val; replaces leucine 1513 with valine.
Molecular consequence: missense variant.
Genome position (GRCh38, 1-based): chr2:240,722,584, G>C on the plus strand (C>G on the coding strand, the complement: KIF1A is on the minus strand). VCF-style: chr2-240722584-G-C. GRCh37 (hg19) VCF-style: chr2-241662001-G-C.
Other names: c.4261C>G, p.Leu1421Val (NM_001320705.2, NM_001379649.1); c.4288C>G, p.Leu1430Val (NM_001330289.2); c.4336C>G, p.Leu1446Val (NM_001330290.2, NM_001379648.1); c.4612C>G, p.Leu1538Val (NM_001379631.1); c.4513C>G, p.Leu1505Val (NM_001379632.1); c.4510C>G, p.Leu1504Val (NM_001379633.1, NM_001379645.1); c.4363C>G, p.Leu1455Val (NM_001379634.1); c.4360C>G, p.Leu1454Val (NM_001379635.1, NM_001379646.1); and 7 more; short protein forms L1430V, L1455V, L1505V, L1513V, L1412V, L1504V, L1538V, L1420V.
Identifiers: ClinVar variation 930552 (VCV000930552.3), dbSNP rs2045537723, ClinGen allele CA351304288.